The following is an entry in ClinVar:

NM_024426.6(WT1):c.162C>A (p.Ser54Arg)

Genes: WT1 (WT1 transcription factor; minus strand), LOC107982234 (WT1/WT1-AS bi-directional promoter region; plus strand). Cytogenetic location: 11p13.
Variant type: single nucleotide variant.
Coding change: c.162C>A on transcript NM_024426.6 (MANE Select); coding-DNA position 162, C replaced by A.
Protein change: p.Ser54Arg; replaces serine 54 with arginine.
Molecular consequence: missense variant. On other transcripts: non-coding transcript variant (1).
Genome position (GRCh38, 1-based): chr11:32,435,199, G>T on the plus strand (C>A on the coding strand, the complement: WT1 is on the minus strand). VCF-style: chr11-32435199-G-T. GRCh37 (hg19) VCF-style: chr11-32456745-G-T.
Other names: c.162C>A, p.Ser54Arg (NM_000378.6, NM_024424.5); c.147C>A (NM_024426.4); short protein forms S54R.
Identifiers: ClinVar variation 1426420 (VCV001426420.6), dbSNP rs776954184, ClinGen allele CA379966253.

ClinVar aggregate classification (germline): Conflicting classifications of pathogenicity. Review status: criteria provided, conflicting classifications (1 of 4 stars). 2 submissions from 2 submitters: Uncertain significance (1); Likely benign (1). Last evaluated 2025-01-24.

Conditions:
Frasier syndrome. Identifiers: Orphanet 347, MedGen C0950122, MeSH D052159, MONDO:0007635, OMIM 136680.
Wilms tumor 1 (WT1). Also called: Wilms tumor, somatic. Identifiers: Orphanet 654, MedGen CN033288, MONDO:0008679, OMIM 194070.
11p partial monosomy syndrome (WAGR). Also called: CHROMOSOME 11p13 DELETION SYNDROME; WAGR syndrome; WAGR Complex; WAGR Spectrum Disorder. Identifiers: Orphanet 893, MedGen C0206115, MONDO:0008681, OMIM 194072.
Drash syndrome (DDS). Also called: WILMS TUMOR AND PSEUDO- OR TRUE HERMAPHRODITISM; NEPHROPATHY, WILMS TUMOR, AND GENITAL ANOMALIES. Identifiers: Orphanet 220, MedGen C0950121, MONDO:0008682, OMIM 194080.
Inborn genetic diseases. Identifiers: MedGen C0950123, MeSH D030342.

gnomAD v4.1: 2 of 1,530,932 alleles (0.00013%); highest among the groups gnomAD compares: African/African-American, 0.0014%; no homozygotes.

Submissions (2):

Ambry Genetics
Classification: Likely benign for Inborn genetic diseases. Last evaluated: 2025-01-24. Review status: criteria provided, single submitter. Criteria: Ambry Variant Classification Scheme 2023. Collection method: clinical testing. Allele origin: germline.

Labcorp Genetics (formerly Invitae), Labcorp
Classification: Uncertain significance for Wilms tumor 1; Drash syndrome; 11p partial monosomy syndrome; Frasier syndrome. Last evaluated: 2024-03-07. Review status: criteria provided, single submitter. Criteria: Invitae Variant Classification Sherloc (09022015). Collection method: clinical testing. Allele origin: germline.
Comment: This sequence change replaces serine, which is neutral and polar, with arginine, which is basic and polar, at codon 49 of the WT1 protein (p.Ser49Arg). This variant is not present in population databases (gnomAD no frequency). This variant has not been reported in the literature in individuals affected with WT1-related conditions. ClinVar contains an entry for this variant (Variation ID: 1426420). An algorithm developed to predict the effect of missense changes on protein structure and function (PolyPhen-2) suggests that this variant is likely to be disruptive. In summary, the available evidence is currently insufficient to determine the role of this variant in disease. Therefore, it has been classified as a Variant of Uncertain Significance.